The following is an entry in ClinVar:

NM_000497.4(CYP11B1):c.1239_1240delinsTG (p.Pro414Ala)

Genes: CYP11B1 (cytochrome P450 family 11 subfamily B member 1; minus strand), LOC106799833 (CYP11B1 recombination region; plus strand). Cytogenetic location: 8q24.3.
Variant type: Indel.
Coding change: c.1239_1240delinsTG on transcript NM_000497.4 (MANE Select); coding-DNA positions 1239 to 1240, CC replaced by TG.
Protein change: p.Pro414Ala; replaces proline 414 with alanine.
Molecular consequence: missense variant. On other transcripts: intron variant (1).
Genome position (GRCh38, 1-based): chr8:142,875,115-142,875,116, GG replaced by CA on the plus strand (CC replaced by TG on the coding strand, the reverse complement: CYP11B1 is on the minus strand). VCF-style: chr8-142875115-GG-CA. GRCh37 (hg19) VCF-style: chr8-143956531-GG-CA.
Other names: c.1200+118_1200+119delinsTG (NM_001026213.1); short protein forms P414A.
Identifiers: ClinVar variation 3671000 (VCV003671000.2).

ClinVar aggregate classification (germline): Uncertain significance (1 of 4 stars; one submission).

Submission:

Labcorp Genetics (formerly Invitae), Labcorp
Classification: Uncertain significance. Last evaluated: 2024-12-02. Review status: criteria provided, single submitter. Criteria: Invitae Variant Classification Sherloc (09022015). Collection method: clinical testing. Allele origin: germline.
Comment: This sequence change replaces proline, which is neutral and non-polar, with alanine, which is neutral and non-polar, at codon 414 of the CYP11B1 protein (p.Pro414Ala). Information on the frequency of this variant in the gnomAD database is not available, as this variant may be reported differently in the database. This variant has not been reported in the literature in individuals affected with CYP11B1-related conditions. Experimental studies and prediction algorithms are not available or were not evaluated, and the functional significance of this variant is currently unknown. In summary, the available evidence is currently insufficient to determine the role of this variant in disease. Therefore, it has been classified as a Variant of Uncertain Significance.